The following is an entry in ClinVar:

ClinVar aggregate classification (germline): Uncertain significance (1 of 4 stars; one submission).

Allele frequency attached by ClinVar (database versions not stated): gnomAD exomes 0.00001.
gnomAD v4.1: 4 of 1,613,630 alleles (0.00025%); highest among the groups gnomAD compares: Admixed American, 0.005%; no homozygotes.

Submission:

Labcorp Genetics (formerly Invitae), Labcorp
Classification: Uncertain significance. Last evaluated: 2022-09-29. Review status: criteria provided, single submitter. Criteria: Invitae Variant Classification Sherloc (09022015). Collection method: clinical testing. Allele origin: germline.
Comment: In summary, the available evidence is currently insufficient to determine the role of this variant in disease. Therefore, it has been classified as a Variant of Uncertain Significance. Algorithms developed to predict the effect of sequence changes on RNA splicing suggest that this variant may disrupt the consensus splice site. Algorithms developed to predict the effect of missense changes on protein structure and function are either unavailable or do not agree on the potential impact of this missense change (SIFT: "Deleterious"; PolyPhen-2: "Probably Damaging"; Align-GVGD: "Class C0"). This variant has not been reported in the literature in individuals affected with TBC1D32-related conditions. This variant is present in population databases (no rsID available, gnomAD 0.006%). This sequence change replaces aspartic acid, which is acidic and polar, with glycine, which is neutral and non-polar, at codon 224 of the TBC1D32 protein (p.Asp224Gly).

NM_152730.6(TBC1D32):c.671A>G (p.Asp224Gly)

Gene: TBC1D32 (TBC1 domain family member 32; minus strand). Cytogenetic location: 6q22.31.
Variant type: single nucleotide variant.
Coding change: c.671A>G on transcript NM_152730.6 (MANE Select); coding-DNA position 671, A replaced by G.
Protein change: p.Asp224Gly; replaces aspartic acid 224 with glycine.
Molecular consequence: missense variant. On other transcripts: non-coding transcript variant (1).
Genome position (GRCh38, 1-based): chr6:121,307,995, T>C on the plus strand (A>G on the coding strand, the complement: TBC1D32 is on the minus strand). VCF-style: chr6-121307995-T-C. GRCh37 (hg19) VCF-style: chr6-121629141-T-C.
Other names: c.671A>G, p.Asp224Gly (NM_001367759.1, NM_001367760.1); short protein forms D224G.
Identifiers: ClinVar variation 2187509 (VCV002187509.3), dbSNP rs989272125, ClinGen allele CA146055385.